The following is an entry in ClinVar:

NM_138959.3(VANGL1):c.231G>A (p.Thr77=)

Gene: VANGL1 (VANGL planar cell polarity protein 1; plus strand). Cytogenetic location: 1p13.1.
Variant type: single nucleotide variant.
Coding change: c.231G>A on transcript NM_138959.3 (MANE Select); coding-DNA position 231, G replaced by A.
Protein change: p.Thr77=; no amino-acid change (threonine 77 retained).
Molecular consequence: synonymous variant.
Genome position (GRCh38, 1-based): chr1:115,663,687, G>A. VCF-style: chr1-115663687-G-A. GRCh37 (hg19) VCF-style: chr1-116206308-G-A.
Other names: c.225G>A, p.Thr75= (NM_001172411.2); c.231G>A, p.Thr77= (NM_001172412.2).
Identifiers: ClinVar variation 728703 (VCV000728703.7), dbSNP rs186509771, ClinGen allele CA1023192.
Genomic context (GRCh38, chr1:115,663,687, plus strand): 5'-TGTCATGTCATCCTCACTGTCTTCTCCCCACCAGGATGACAACTGGGGAGAGACCACCAC[G>A]GCCATCACAGGCACCTCGGAGCACAGCATATCCCAAGAGGACATTGCCAGGATCAGCAAG-3'
Protein context (NP_620409.1, residues 67-87): VQDDNWGETT[Thr77=]AITGTSEHSI

ClinVar aggregate classification (germline): Conflicting classifications of pathogenicity. Review status: criteria provided, conflicting classifications (1 of 4 stars). 3 submissions from 2 submitters: Uncertain significance (1); Likely benign (2). Last evaluated 2018-10-17.

Conditions:
Sacral defect with anterior meningocele. Identifiers: MedGen C1838568, OMIM 600145.
Neural tube defect (NTD). Also called: Neural tube defects. Identifiers: Orphanet 3388, Orphanet 823, MedGen C0027794, MONDO:0018075, HP:0045005.

Allele frequency attached by ClinVar (database versions not stated): ESP Exome Variant Server 0.00008; TOPMed 0.00012; gnomAD 0.00014 and 0.00015; 1000 Genomes Project 30x 0.00016; 1000 Genomes Project 0.00020.
gnomAD v4.1: 210 of 1,614,112 alleles (0.013%); highest among the groups gnomAD compares: Non-Finnish European, 0.016%; no homozygotes.

Submissions (3):

Labcorp Genetics (formerly Invitae), Labcorp
Classification: Likely benign. Last evaluated: 2018-10-17. Review status: criteria provided, single submitter. Criteria: Invitae Variant Classification Sherloc (09022015). Collection method: clinical testing. Allele origin: germline.

Illumina Laboratory Services, Illumina
Classification: Likely benign for Sacral defect with anterior meningocele. Last evaluated: 2018-01-12. Review status: criteria provided, single submitter. Criteria: ICSL Variant Classification Criteria 13 December 2019. Collection method: clinical testing. Allele origin: germline.
Comment: This variant was observed in the ICSL laboratory as part of a predisposition screen in an ostensibly healthy population. It had not been previously curated by ICSL or reported in the Human Gene Mutation Database (HGMD: prior to June 1st, 2018), and was therefore a candidate for classification through an automated scoring system. Utilizing variant allele frequency, disease prevalence and penetrance estimates, and inheritance mode, an automated score was calculated to assess if this variant is too frequent to cause the disease. Based on the score and internal cut-off values, a variant classified as likely benign is not then subjected to further curation. The score for this variant resulted in a classification of likely benign for this disease.

Illumina Laboratory Services, Illumina
Classification: Uncertain significance for Neural tube defects, susceptibility to. Last evaluated: 2018-01-12. Review status: criteria provided, single submitter. Criteria: ICSL Variant Classification Criteria 13 December 2019. Collection method: clinical testing. Allele origin: germline.